The following is an entry in ClinVar:

ClinVar aggregate classification (germline): Uncertain significance (1 of 4 stars; one submission).

Conditions:
Inborn genetic diseases. Identifiers: MedGen C0950123, MeSH D030342.

Submission:

Ambry Genetics
Classification: Uncertain significance for Inborn genetic diseases. Last evaluated: 2025-10-08. Review status: criteria provided, single submitter. Criteria: Ambry Variant Classification Scheme 2023. Collection method: clinical testing. Allele origin: germline.
Comment: The p.G58A variant (also known as c.173G>C), located in coding exon 1 of the SAMD9 gene, results from a G to C substitution at nucleotide position 173. The glycine at codon 58 is replaced by alanine, an amino acid with similar properties. This amino acid position is conserved. In addition, the in silico prediction for this alteration is inconclusive. Based on the available evidence, the clinical significance of this variant remains unclear.

NM_017654.4(SAMD9):c.173G>C (p.Gly58Ala)

Gene: SAMD9 (sterile alpha motif domain containing 9; minus strand). Cytogenetic location: 7q21.2.
Variant type: single nucleotide variant.
Coding change: c.173G>C on transcript NM_017654.4 (MANE Select); coding-DNA position 173, G replaced by C.
Protein change: p.Gly58Ala; replaces glycine 58 with alanine.
Molecular consequence: missense variant.
Genome position (GRCh38, 1-based): chr7:93,105,925, C>G on the plus strand (G>C on the coding strand, the complement: SAMD9 is on the minus strand). VCF-style: chr7-93105925-C-G. GRCh37 (hg19) VCF-style: chr7-92735238-C-G.
Other names: c.173G>C, p.Gly58Ala (NM_001193307.2); short protein forms G58A.
Identifiers: ClinVar variation 4629857 (VCV004629857.1).